The following is an entry in ClinVar:

ClinVar aggregate classification (germline): Uncertain significance (1 of 4 stars; one submission).

Conditions:
Familial adenomatous polyposis 1 (FAP1). Also called: POLYPOSIS, ADENOMATOUS INTESTINAL; FAMILIAL ADENOMATOUS POLYPOSIS 1, ATTENUATED. Identifiers: MedGen C2713442, MONDO:0021056, OMIM 175100. Disease mechanism: loss of function.

Submission:

Labcorp Genetics (formerly Invitae), Labcorp
Classification: Uncertain significance for Familial adenomatous polyposis 1. Last evaluated: 2021-10-28. Review status: criteria provided, single submitter. Criteria: Invitae Variant Classification Sherloc (09022015). Collection method: clinical testing. Allele origin: germline.
Comment: In summary, the available evidence is currently insufficient to determine the role of this variant in disease. Therefore, it has been classified as a Variant of Uncertain Significance. Experimental studies and prediction algorithms are not available or were not evaluated, and the functional significance of this variant is currently unknown. This variant has not been reported in the literature in individuals affected with APC-related conditions. This variant is not present in population databases (gnomAD no frequency). This variant occurs in a non-coding region of the APC gene. It does not change the encoded amino acid sequence of the APC protein.

NC_000005.10:g.112707402A>C

Gene: APC (APC regulator of Wnt signaling pathway; plus strand). Cytogenetic location: 5q22.2.
Variant type: single nucleotide variant.
Genome position: GRCh38 VCF-style: chr5-112707402-A-C. GRCh37 (hg19) VCF-style: chr5-112043099-A-C.
Identifiers: ClinVar variation 1485083 (VCV001485083.6), dbSNP rs1750555884, ClinGen allele CA2573138752.